The following is an entry in ClinVar:

ClinVar aggregate classification (germline): Likely benign. Review status: criteria provided, multiple submitters, no conflicts (2 of 4 stars). 2 submissions from 2 submitters: Likely benign (2). Last evaluated 2026-01-23.

Conditions:
Multiple congenital anomalies-hypotonia-seizures syndrome 1 (MCAHS1). Also called: GLYCOSYLPHOSPHATIDYLINOSITOL BIOSYNTHESIS DEFECT 3; PIGN-CDG; Congenital disorder of glycosylation due to PIGN deficiency. Identifiers: Orphanet 280633, MedGen C3279775, MONDO:0013563, OMIM 614080.
PIGN-related disorder. Also called: PIGN-related condition.

Allele frequency attached by ClinVar (database versions not stated): TOPMed 0.00001.

Submissions (2):

PreventionGenetics, part of Exact Sciences
Classification: Likely benign for PIGN-related condition. Last evaluated: 2026-01-23. Review status: criteria provided, single submitter. Criteria: ACMG Guidelines, 2015. Collection method: clinical testing. Allele origin: germline.
Comment: This variant is classified as likely benign based on ACMG/AMP sequence variant interpretation guidelines (Richards et al. 2015 PMID: 25741868, with internal and published modifications).

Labcorp Genetics (formerly Invitae), Labcorp
Classification: Likely benign for Multiple congenital anomalies-hypotonia-seizures syndrome 1. Last evaluated: 2024-05-20. Review status: criteria provided, single submitter. Criteria: Invitae Variant Classification Sherloc (09022015). Collection method: clinical testing. Allele origin: germline.

NM_176787.5(PIGN):c.2313T>C (p.Thr771=)

Gene: PIGN (phosphatidylinositol glycan anchor biosynthesis class N; minus strand). Cytogenetic location: 18q21.33.
Variant type: single nucleotide variant.
Coding change: c.2313T>C on transcript NM_176787.5 (MANE Select); coding-DNA position 2313, T replaced by C.
Protein change: p.Thr771=; no amino-acid change (threonine 771 retained).
Molecular consequence: synonymous variant.
Genome position (GRCh38, 1-based): chr18:62,088,813, A>G on the plus strand (T>C on the coding strand, the complement: PIGN is on the minus strand). VCF-style: chr18-62088813-A-G. GRCh37 (hg19) VCF-style: chr18-59756046-A-G.
Other names: c.2313T>C, p.Thr771= (NM_012327.6); c.2313T>C (NM_176787.4).
Identifiers: ClinVar variation 1118571 (VCV001118571.10), dbSNP rs2033829700, ClinGen allele CA504065359.